The following is an entry in ClinVar:

NM_006268.5(DPF2):c.302-8G>A

Gene: DPF2 (double PHD fingers 2; plus strand). Cytogenetic location: 11q13.1.
Variant type: single nucleotide variant.
Coding change: c.302-8G>A on transcript NM_006268.5 (MANE Select); 8 bases into the intron before coding-DNA position 302, G replaced by A.
Molecular consequence: intron variant.
Genome position (GRCh38, 1-based): chr11:65,341,391, G>A. VCF-style: chr11-65341391-G-A. GRCh37 (hg19) VCF-style: chr11-65108862-G-A.
Other names: c.302-8G>A (NM_001330308.1, NM_001330308.2).
Identifiers: ClinVar variation 1544678 (VCV001544678.29), dbSNP rs201023047, ClinGen allele CA6095241.

ClinVar aggregate classification (germline): Benign/Likely benign. Review status: criteria provided, multiple submitters, no conflicts (2 of 4 stars). 3 submissions from 3 submitters: Benign (1); Likely benign (1). 1 of the submissions does not count toward it. Last evaluated 2025-11-02.

Conditions:
DPF2-related disorder. Also called: DPF2-related condition.

Allele frequency attached by ClinVar (database versions not stated): 1000 Genomes Project 30x 0.00016; 1000 Genomes Project 0.00020; ExAC 0.00049; gnomAD exomes 0.00056 and 0.00112; gnomAD 0.00064 and 0.00065; TOPMed 0.00077; ESP Exome Variant Server 0.00108.
gnomAD v4.1: 1,779 of 1,614,124 alleles (0.11%); highest among the groups gnomAD compares: Non-Finnish European, 0.13%; 2 homozygotes.

Submissions (3):

Labcorp Genetics (formerly Invitae), Labcorp
Classification: Benign. Last evaluated: 2025-11-02. Review status: criteria provided, single submitter. Criteria: Invitae Variant Classification Sherloc (09022015). Collection method: clinical testing. Allele origin: germline.

CeGaT Center for Human Genetics Tuebingen
Classification: Likely benign. Last evaluated: 2024-10-01. Review status: criteria provided, single submitter. Criteria: CeGaT Center For Human Genetics Tuebingen Variant Classification Criteria Version 2. Collection method: clinical testing. Allele origin: germline. Affected: yes. Observed: 3 variant alleles.
Comment: DPF2: BP4, BS1

PreventionGenetics, part of Exact Sciences
Classification: Likely benign for DPF2-related condition. Last evaluated: 2019-03-25. Review status: no assertion criteria provided. Collection method: clinical testing. Allele origin: germline. Not counted in ClinVar's aggregate classification.
Comment: This variant is classified as likely benign based on ACMG/AMP sequence variant interpretation guidelines (Richards et al. 2015 PMID: 25741868, with internal and published modifications).